The following is an entry in ClinVar:

NM_001041.4(SI):c.535G>T (p.Glu179Ter)

Gene: SI (sucrase-isomaltase; minus strand). Cytogenetic location: 3q26.1.
Variant type: single nucleotide variant.
Coding change: c.535G>T on transcript NM_001041.4 (MANE Select); coding-DNA position 535, G replaced by T.
Protein change: p.Glu179Ter; replaces glutamic acid 179 with a stop codon.
Molecular consequence: nonsense.
Genome position (GRCh38, 1-based): chr3:165,067,440, C>A on the plus strand (G>T on the coding strand, the complement: SI is on the minus strand). VCF-style: chr3-165067440-C-A. GRCh37 (hg19) VCF-style: chr3-164785228-C-A.
Other names: short protein forms E179*.
Identifiers: ClinVar variation 2417503 (VCV002417503.6), dbSNP rs1231349140, ClinGen allele CA355034453.
Genomic context (GRCh38, chr3:165,067,440, plus strand): 5'-ATGGGTTTTGGGCAACCTTCACATCATACAACGTATCAGAAACTGTGGGTCCAGTAAACT[C>A]TTTTACATACTGATGAGGAACTTCATATCTTCTATTATTTGGATCAGTAATCTGGAAAGA-3'

ClinVar aggregate classification (germline): Pathogenic (1 of 4 stars; one submission).

gnomAD v4.1: 99 of 1,611,586 alleles (0.0061%); highest among the groups gnomAD compares: Non-Finnish European, 0.0083%; 1 homozygote.

Submission:

Labcorp Genetics (formerly Invitae), Labcorp
Classification: Pathogenic. Last evaluated: 2024-12-18. Review status: criteria provided, single submitter. Criteria: Invitae Variant Classification Sherloc (09022015). Collection method: clinical testing. Allele origin: germline.
Comment: This sequence change creates a premature translational stop signal (p.Glu179*) in the SI gene. It is expected to result in an absent or disrupted protein product. Loss-of-function variants in SI are known to be pathogenic (PMID: 16329100, 23103650, 25452324). This variant is present in population databases (no rsID available, gnomAD 0.004%). This variant has not been reported in the literature in individuals affected with SI-related conditions. ClinVar contains an entry for this variant (Variation ID: 2417503). Algorithms developed to predict the effect of sequence changes on RNA splicing suggest that this variant may disrupt the consensus splice site. For these reasons, this variant has been classified as Pathogenic.

Literature cited by the submitters: PubMed 16329100; PubMed 23103650; PubMed 25452324.